The following is an entry in ClinVar:

NM_005475.3(SH2B3):c.1573A>G (p.Ile525Val)

Gene: SH2B3 (SH2B adaptor protein 3; plus strand). Cytogenetic location: 12q24.12.
Variant type: single nucleotide variant.
Coding change: c.1573A>G on transcript NM_005475.3 (MANE Select); coding-DNA position 1573, A replaced by G.
Protein change: p.Ile525Val; replaces isoleucine 525 with valine.
Molecular consequence: missense variant.
Genome position (GRCh38, 1-based): chr12:111,448,147, A>G. VCF-style: chr12-111448147-A-G. GRCh37 (hg19) VCF-style: chr12-111885951-A-G.
Other names: c.967A>G, p.Ile323Val (NM_001291424.1); short protein forms I323V, I525V.
Identifiers: ClinVar variation 5029474 (VCV005029474.1).

ClinVar aggregate classification (germline): Uncertain significance (1 of 4 stars; one submission).

Conditions:
Inborn genetic diseases. Identifiers: MedGen C0950123, MeSH D030342.

Submission:

Ambry Genetics
Classification: Uncertain significance for Inborn genetic diseases. Last evaluated: 2026-07-17. Review status: criteria provided, single submitter. Criteria: Ambry Variant Classification Scheme 2023. Collection method: clinical testing. Allele origin: germline.
Comment: The p.I525V variant (also known as c.1573A>G), located in coding exon 7 of the SH2B3 gene, results from an A to G substitution at nucleotide position 1573. The isoleucine at codon 525 is replaced by valine, an amino acid with highly similar properties. This amino acid position is conserved. In addition, this alteration is predicted to be tolerated by in silico analysis. Based on the available evidence, the clinical significance of this variant remains unclear.